The following is an entry in ClinVar:

ClinVar aggregate classification (germline): Benign/Likely benign. Review status: criteria provided, multiple submitters, no conflicts (2 of 4 stars). 6 submissions from 6 submitters: Benign (3); Likely benign (3). Last evaluated 2026-01-25.

Conditions:
Juvenile myelomonocytic leukemia (JMML). Also called: LEUKEMIA, JUVENILE MYELOMONOCYTIC, SOMATIC. Identifiers: Orphanet 86834, MedGen C0349639, MONDO:0011908, OMIM 607785, HP:0012209.
Metachondromatosis (METCDS). Identifiers: Orphanet 2499, MedGen C0410530, MONDO:0007979, OMIM 156250.
Noonan syndrome 1 (NS1). Also called: PTPN11-Related Noonan Syndrome; FEMALE PSEUDO-TURNER SYNDROME; TURNER PHENOTYPE WITH NORMAL KARYOTYPE. Identifiers: Orphanet 648, MedGen C4551602, MONDO:0008104, OMIM 163950. Disease mechanism: gain of function.
LEOPARD syndrome 1 (LPRD1). Also called: LENTIGINOSIS, CARDIOMYOPATHIC; MULTIPLE LENTIGINES SYNDROME; PTPN11-Related LEOPARD Syndrome. Identifiers: Orphanet 500, MedGen C4551484, MONDO:0100082, OMIM 151100.
RASopathy. Also called: rasopathies; Noonan spectrum disorder. Identifiers: Orphanet 536391, MedGen C5555857, MONDO:0021060.

Allele frequency attached by ClinVar (database versions not stated): gnomAD exomes 0.00010 and 0.00044; ExAC 0.00049; 1000 Genomes Project 0.00060; 1000 Genomes Project 30x 0.00062; gnomAD 0.00092 and 0.00096; TOPMed 0.00100; ESP Exome Variant Server 0.00138.
gnomAD v4.1: 281 of 1,554,058 alleles (0.018%); highest among the groups gnomAD compares: African/African-American, 0.27%; no homozygotes.

Submissions (6):

Labcorp Genetics (formerly Invitae), Labcorp
Classification: Benign for RASopathy. Last evaluated: 2026-01-25. Review status: criteria provided, single submitter. Criteria: Invitae Variant Classification Sherloc (09022015). Collection method: clinical testing. Allele origin: germline.

Blueprint Genetics
Classification: Likely benign. Last evaluated: 2024-09-19. Review status: criteria provided, single submitter. Criteria: ACMG Guidelines, 2015. Collection method: clinical testing. Allele origin: germline.

Fulgent Genetics
Classification: Likely benign for LEOPARD syndrome 1; Metachondromatosis; Noonan syndrome 1; Juvenile myelomonocytic leukemia. Last evaluated: 2021-09-14. Review status: criteria provided, single submitter. Criteria: ACMG Guidelines, 2015. Collection method: clinical testing. Allele origin: unknown.

Women's Health and Genetics/Laboratory Corporation of America, LabCorp
Classification: Benign. Last evaluated: 2019-09-09. Review status: criteria provided, single submitter. Criteria: LabCorp Variant Classification Summary - May 2015. Collection method: clinical testing. Allele origin: germline.
Comment: Variant summary: PTPN11 c.526-17T>C alters a non-conserved nucleotide located close to a canonical splice site and therefore could affect mRNA splicing, leading to a significantly altered protein sequence. 5/5 computational tools predict no significant impact on normal splicing. However, these predictions have yet to be confirmed by functional studies. The variant allele was found at a frequency of 0.00044 in 250878 control chromosomes, predominantly at a frequency of 0.0031 within the East Asian subpopulation in the gnomAD database. The observed variant frequency within East Asian control individuals in the gnomAD database is approximately 49 fold of the estimated maximal expected allele frequency for a pathogenic variant in PTPN11 causing Noonan Syndrome and Related Conditions phenotype (6.3e-05), strongly suggesting that the variant is a benign polymorphism found primarily in populations of East Asian origin. To our knowledge, no occurrence of c.526-17T>C in individuals affected with Noonan Syndrome and Related Conditions and no experimental evidence demonstrating its impact on protein function have been reported. A ClinVar submission (evaluation after 2014) cites the variant as benign. Based on the evidence outlined above, the variant was classified as benign.

GeneDx
Classification: Benign. Last evaluated: 2015-07-10. Review status: criteria provided, single submitter. Criteria: GeneDx Variant Classification (06012015). Collection method: clinical testing. Allele origin: germline. Affected: yes.
Comment: This variant is considered likely benign or benign based on one or more of the following criteria: it is a conservative change, it occurs at a poorly conserved position in the protein, it is predicted to be benign by multiple in silico algorithms, and/or has population frequency not consistent with disease.

PreventionGenetics, part of Exact Sciences
Classification: Likely benign. Review status: criteria provided, single submitter. Criteria: ACMG Guidelines, 2015. Collection method: clinical testing. Allele origin: germline.

Literature cited by the submitters: PubMed 15385933 (cited by Women's Health and Genetics/Laboratory Corporation of America, LabCorp); PubMed 14644997 (cited by Women's Health and Genetics/Laboratory Corporation of America, LabCorp); PubMed 19047918 (cited by Women's Health and Genetics/Laboratory Corporation of America, LabCorp); PubMed 17972951 (cited by Women's Health and Genetics/Laboratory Corporation of America, LabCorp); PubMed 25395418 (cited by Women's Health and Genetics/Laboratory Corporation of America, LabCorp); PubMed 27069254 (cited by Women's Health and Genetics/Laboratory Corporation of America, LabCorp).

NM_002834.5(PTPN11):c.526-17T>C

Gene: PTPN11 (protein tyrosine phosphatase non-receptor type 11; plus strand). Cytogenetic location: 12q24.13.
Variant type: single nucleotide variant.
Coding change: c.526-17T>C on transcript NM_002834.5 (MANE Select); 17 bases into the intron before coding-DNA position 526, T replaced by C.
Molecular consequence: intron variant.
Genome position (GRCh38, 1-based): chr12:112,454,547, T>C. VCF-style: chr12-112454547-T-C. GRCh37 (hg19) VCF-style: chr12-112892351-T-C.
Other names: c.526-17T>C (NM_001330437.2, NM_080601.3); c.523-17T>C (NM_001374625.1).
Identifiers: ClinVar variation 258817 (VCV000258817.12), dbSNP rs375184329, ClinGen allele CA6798573.